The following is an entry in ClinVar:

NM_138694.4(PKHD1):c.9795del (p.Asn3265fs)

Gene: PKHD1 (PKHD1 ciliary IPT domain containing fibrocystin/polyductin; minus strand). Cytogenetic location: 6p12.3.
Variant type: Deletion.
Coding change: c.9795del on transcript NM_138694.4 (MANE Select); coding-DNA position 9795, one base deleted (T; older notation c.9795delT).
Protein change: p.Asn3265fs; shifts the reading frame from asparagine 3265.
Molecular consequence: frameshift variant.
Genome position (GRCh38, 1-based): chr6:51,747,821, A deleted on the plus strand (T on the coding strand, the reverse complement: PKHD1 is on the minus strand). VCF-style (leftmost placement, unchanged base first): chr6-51747820-CA-C. GRCh37 (hg19) VCF-style: chr6-51612618-CA-C.
Other names: c.9795del, p.Asn3265fs (NM_170724.3); short protein forms N3265fs.
Identifiers: ClinVar variation 5016068 (VCV005016068.1).
Genomic context (GRCh38, chr6:51,747,820, plus strand): 5'-CTGCCTAGATAAAATAAAACATCCTACCTTGAAGTTTCATGATTCCTGAAATTGAATGAT[CA>C]TTCCTCACTTTGTGCCATGGCTCCTGAGGCCACTGATTTGGTTCTGAGGTGAATACAGGC-3'

ClinVar aggregate classification (germline): Pathogenic (1 of 4 stars; one submission).

Conditions:
Polycystic kidney disease 4 (PKD4). Also called: PKD3; Autosomal Recessive Polycystic Kidney Disease – PKHD1; POLYCYSTIC KIDNEY AND HEPATIC DISEASE 1; POLYCYSTIC KIDNEY DISEASE, INFANTILE, TYPE I; POLYCYSTIC KIDNEY DISEASE 4 WITH OR WITHOUT POLYCYSTIC LIVER DISEASE. Identifiers: MedGen C4540575, MONDO:0033004, OMIM 263200.

Submission:

Myriad Genetics, Inc.
Classification: Pathogenic for Polycystic kidney disease 4. Last evaluated: 2026-06-23. Review status: criteria provided, single submitter. Criteria: Myriad Autosomal Dominant, Autosomal Recessive and X-Linked Classification Criteria (2023). Collection method: clinical testing. Allele origin: unknown.
Comment: NM_138694.3(PKHD1):c.9795delT(N3265Kfs*9) is expected to be pathogenic in the context of autosomal recessive polycystic kidney disease, PKHD1-related. This variant is predicted to lead to an abnormal or absent protein product due to the creation of a premature termination codon in PKHD1, a gene where loss-of-function variants are known to be pathogenic. Please note: this variant was assessed in the context of healthy population screening.